The following is an entry in ClinVar:

ClinVar aggregate classification (germline): Likely benign. Review status: criteria provided, multiple submitters, no conflicts (2 of 4 stars). 2 submissions from 2 submitters: Likely benign (2). Last evaluated 2023-10-17.

Allele frequency attached by ClinVar (database versions not stated): TOPMed 0.00003.
gnomAD v4.1: 18 of 1,604,210 alleles (0.0011%); highest among the groups gnomAD compares: Non-Finnish European, 0.0014%; no homozygotes.

Submissions (2):

Blueprint Genetics
Classification: Likely benign. Last evaluated: 2023-10-17. Review status: criteria provided, single submitter. Criteria: ACMG Guidelines, 2015. Collection method: clinical testing. Allele origin: germline.

GeneDx
Classification: Likely benign. Last evaluated: 2016-05-27. Review status: criteria provided, single submitter. Criteria: GeneDx Variant Classification (06012015). Collection method: clinical testing. Allele origin: germline. Affected: yes.
Comment: This variant is considered likely benign or benign based on one or more of the following criteria: it is a conservative change, it occurs at a poorly conserved position in the protein, it is predicted to be benign by multiple in silico algorithms, and/or has population frequency not consistent with disease.

NM_201596.3(CACNB2):c.84C>T (p.Asn28=)

Gene: CACNB2 (calcium voltage-gated channel auxiliary subunit beta 2; plus strand). Cytogenetic location: 10p12.33.
Variant type: single nucleotide variant.
Coding change: c.84C>T on transcript NM_201596.3 (MANE Select); coding-DNA position 84, C replaced by T.
Protein change: p.Asn28=; no amino-acid change (asparagine 28 retained).
Molecular consequence: synonymous variant. On other transcripts: 5 prime UTR variant (3).
Genome position (GRCh38, 1-based): chr10:18,140,820, C>T. VCF-style: chr10-18140820-C-T. GRCh37 (hg19) VCF-style: chr10-18429749-C-T.
Other names: c.-360C>T (NM_001167945.2, NM_201571.4, NM_201572.4); c.84C>T, p.Asn28= (NM_201593.3, NM_201597.3).
Identifiers: ClinVar variation 384804 (VCV000384804.4), dbSNP rs763573123, ClinGen allele CA16606646.